The following is an entry in ClinVar:

NM_006947.4(SRP72):c.*24G>A

Gene: SRP72 (signal recognition particle 72; plus strand). Cytogenetic location: 4q12.
Variant type: single nucleotide variant.
Coding change: c.*24G>A on transcript NM_006947.4 (MANE Select); 24 bases downstream of the stop codon, G replaced by A.
Molecular consequence: 3 prime UTR variant. On other transcripts: non-coding transcript variant (1).
Genome position (GRCh38, 1-based): chr4:56,501,885, G>A. VCF-style: chr4-56501885-G-A. GRCh37 (hg19) VCF-style: chr4-57368051-G-A.
Other names: c.*24G>A (NM_001267722.2).
Identifiers: ClinVar variation 349136 (VCV000349136.5), dbSNP rs144710632, ClinGen allele CA2931526.

ClinVar aggregate classification (germline): Benign (1 of 4 stars; one submission).

Conditions:
Autosomal dominant aplasia and myelodysplasia. Also called: Bone marrow failure syndrome 1. Identifiers: Orphanet 314399, MedGen C3808553, MONDO:0013851, OMIM 614675.

Allele frequency attached by ClinVar (database versions not stated): gnomAD exomes 0.00025 and 0.00056; ExAC 0.00072; ESP Exome Variant Server 0.00193; TOPMed 0.00203; gnomAD 0.00204 and 0.00215; 1000 Genomes Project 0.00439; 1000 Genomes Project 30x 0.00453.
gnomAD v4.1: 700 of 1,612,936 alleles (0.043%); highest among the groups gnomAD compares: African/African-American, 0.65%; 3 homozygotes.

Submission:

Illumina Laboratory Services, Illumina
Classification: Benign for Autosomal dominant aplasia and myelodysplasia. Last evaluated: 2018-01-12. Review status: criteria provided, single submitter. Criteria: ICSL Variant Classification Criteria 13 December 2019. Collection method: clinical testing. Allele origin: germline.
Comment: This variant was observed in the ICSL laboratory as part of a predisposition screen in an ostensibly healthy population. It had not been previously curated by ICSL or reported in the Human Gene Mutation Database (HGMD: prior to June 1st, 2018), and was therefore a candidate for classification through an automated scoring system. Utilizing variant allele frequency, disease prevalence and penetrance estimates, and inheritance mode, an automated score was calculated to assess if this variant is too frequent to cause the disease. Based on the score and internal cut-off values, a variant classified as benign is not then subjected to further curation. The score for this variant resulted in a classification of benign for this disease.